The following is an entry in ClinVar:

NM_005198.5(CHKB):c.1064T>C (p.Leu355Pro)

Genes: CHKB-CPT1B (CHKB-CPT1B readthrough (NMD candidate); minus strand), CHKB (choline kinase beta; minus strand). Cytogenetic location: 22q13.33.
Variant type: single nucleotide variant.
Coding change: c.1064T>C on transcript NM_005198.5 (MANE Select); coding-DNA position 1064, T replaced by C.
Protein change: p.Leu355Pro; replaces leucine 355 with proline.
Molecular consequence: missense variant. On other transcripts: non-coding transcript variant (1).
Genome position (GRCh38, 1-based): chr22:50,579,475, A>G on the plus strand (T>C on the coding strand, the complement: CHKB is on the minus strand). VCF-style: chr22-50579475-A-G. GRCh37 (hg19) VCF-style: chr22-51017904-A-G.
Other names: short protein forms L355P.
Identifiers: ClinVar variation 1029945 (VCV001029945.1), dbSNP rs2070626510, ClinGen allele CA412194965.

ClinVar aggregate classification (germline): Uncertain significance (1 of 4 stars; one submission).

Conditions:
Megaconial type congenital muscular dystrophy (MDCMC). Also called: CHKB-Related Muscle Diseases; MUSCULAR DYSTROPHY, CONGENITAL, WITH MITOCHONDRIAL STRUCTURAL ABNORMALITIES; CHKB-Related Muscular Dystrophy. Identifiers: Orphanet 280671, MedGen C1865233, MONDO:0011246, OMIM 602541.

Submission:

Baylor Genetics
Classification: Uncertain significance for Megaconial type congenital muscular dystrophy. Last evaluated: 2020-01-11. Review status: criteria provided, single submitter. Criteria: ACMG Guidelines, 2015. Collection method: clinical testing. Allele origin: unknown. Affected: yes.
Comment: This variant was determined to be of uncertain significance according to ACMG Guidelines, 2015 [PMID:25741868].